The following is an entry in ClinVar:

NM_032436.4(CHAMP1):c.1140G>A (p.Trp380Ter)

Gene: CHAMP1 (chromosome alignment maintaining phosphoprotein 1; plus strand). Cytogenetic location: 13q34.
Variant type: single nucleotide variant.
Coding change: c.1140G>A on transcript NM_032436.4 (MANE Select); coding-DNA position 1140, G replaced by A.
Protein change: p.Trp380Ter; replaces tryptophan 380 with a stop codon.
Molecular consequence: nonsense.
Genome position (GRCh38, 1-based): chr13:114,324,982, G>A. VCF-style: chr13-114324982-G-A. GRCh37 (hg19) VCF-style: chr13-115090457-G-A.
Other names: c.1140G>A, p.Trp380Ter (NM_001164144.3, NM_001164145.3); short protein forms W380*.
Identifiers: ClinVar variation 4294452 (VCV004294452.1).
Genomic context (GRCh38, chr13:114,324,982, plus strand): 5'-ACCAACTCCATCTGTGTCTTCTGCATCCTGGAAATCTTCATCAGTCTCACCCAGCTCCTG[G>A]AAGTCTCCCCCTGCATCTCCTGAGTCATGGAAGTCTGGCCCACCAGAACTCCGAAAGACA-3'

ClinVar aggregate classification (germline): Likely pathogenic (1 of 4 stars; one submission).

Conditions:
Neurodevelopmental disorder with hypotonia, impaired language, and dysmorphic features. Also called: Intellectual disability, autosomal dominant 40. Identifiers: Orphanet 692193, MedGen C5676894, MONDO:0014699, OMIM 616579.

Submission:

Molecular Genetics Department, Kulakov National Medical Research Center for Obstetrics, Gynecology and Perinatology
Classification: Likely pathogenic for Neurodevelopmental disorder with hypotonia, impaired language, and dysmorphic features. Review status: criteria provided, single submitter. Criteria: ACMG Guidelines, 2015. Collection method: clinical testing. Allele origin: germline. Affected: yes. Observed: 1 variant allele.
Comment: A previously undescribed heterozygous nucleotide variant creates a premature translation stop signal p.Trp380Ter in the CHAMP1 gene. Heterozygous variants are reported in patients with neurodevelopmental disorder with hypotonia, impaired language, and dysmorphic features, 616579. The variant is not present in population database (gnomAD no frequency). In summary, the currently available evidence indicates that the variant is pathogenic, but additional data are needed to prove that conclusively. Therefore, this variant has been classified as likely pathogenic.